The following is an entry in ClinVar:

NM_007118.4(TRIO):c.6117A>C (p.Glu2039Asp)

Gene: TRIO (trio Rho guanine nucleotide exchange factor; plus strand). Cytogenetic location: 5p15.2.
Variant type: single nucleotide variant.
Coding change: c.6117A>C on transcript NM_007118.4 (MANE Select); coding-DNA position 6117, A replaced by C.
Protein change: p.Glu2039Asp; replaces glutamic acid 2039 with aspartic acid.
Molecular consequence: missense variant. On other transcripts: non-coding transcript variant (1).
Genome position (GRCh38, 1-based): chr5:14,476,927, A>C. VCF-style: chr5-14476927-A-C. GRCh37 (hg19) VCF-style: chr5-14477036-A-C.
Other names: c.6117A>C (NM_007118.3); short protein forms E2039D.
Identifiers: ClinVar variation 1216772 (VCV001216772.6), dbSNP rs374834393, ClinGen allele CA3206979.

ClinVar aggregate classification (germline): Likely benign. Review status: criteria provided, multiple submitters, no conflicts (2 of 4 stars). 3 submissions from 3 submitters: Likely benign (2). 1 of the submissions does not count toward it. Last evaluated 2025-08-05.

Conditions:
Inborn genetic diseases. Identifiers: MedGen C0950123, MeSH D030342.
TRIO-related disorder. Also called: TRIO-related disorders; TRIO-related condition.

Allele frequency attached by ClinVar (database versions not stated): gnomAD exomes 0.00003; ExAC 0.00007; TOPMed 0.00014; ESP Exome Variant Server 0.00015; gnomAD 0.00017 and 0.00019; 1000 Genomes Project 0.00020; 1000 Genomes Project 30x 0.00031.
gnomAD v4.1: 40 of 1,614,122 alleles (0.0025%); highest among the groups gnomAD compares: African/African-American, 0.049%; no homozygotes.

Submissions (3):

Ambry Genetics
Classification: Likely benign for Inborn genetic diseases. Last evaluated: 2025-08-05. Review status: criteria provided, single submitter. Criteria: Ambry Variant Classification Scheme 2023. Collection method: clinical testing. Allele origin: germline.

GeneDx
Classification: Likely benign. Last evaluated: 2020-06-24. Review status: criteria provided, single submitter. Criteria: GeneDx Variant Classification Process June 2021. Collection method: clinical testing. Allele origin: germline. Affected: yes.
Comment: Has not been previously published as pathogenic or benign to our knowledge

PreventionGenetics, part of Exact Sciences
Classification: Likely benign for TRIO-related condition. Last evaluated: 2023-12-05. Review status: no assertion criteria provided. Collection method: clinical testing. Allele origin: germline. Not counted in ClinVar's aggregate classification.
Comment: This variant is classified as likely benign based on ACMG/AMP sequence variant interpretation guidelines (Richards et al. 2015 PMID: 25741868, with internal and published modifications).